The following is an entry in ClinVar:

ClinVar aggregate classification (germline): Uncertain significance. Review status: criteria provided, multiple submitters, no conflicts (2 of 4 stars). 2 submissions from 2 submitters: Uncertain significance (2). Last evaluated 2022-09-23.

Conditions:
Inborn genetic diseases. Identifiers: MedGen C0950123, MeSH D030342.
Amyotrophic lateral sclerosis type 8 (ALS8). Identifiers: Orphanet 803, MedGen C1837728, MONDO:0012077, OMIM 608627.
Adult-onset proximal spinal muscular atrophy, autosomal dominant. Also called: Spinal muscular atrophy, late-onset, finkel type; FINKEL LATE-ADULT TYPE SMA. Identifiers: Orphanet 209335, MedGen C1854058, MONDO:0008453, OMIM 182980.

Submissions (2):

Ambry Genetics
Classification: Uncertain significance for Inborn genetic diseases. Last evaluated: 2022-09-23. Review status: criteria provided, single submitter. Criteria: Ambry Variant Classification Scheme 2023. Collection method: clinical testing. Allele origin: germline.
Comment: The p.P56R variant (also known as c.167C>G), located in coding exon 2 of the VAPB gene, results from a C to G substitution at nucleotide position 167. The proline at codon 56 is replaced by arginine, an amino acid with dissimilar properties. This amino acid position is highly conserved in available vertebrate species. In addition, this alteration is predicted to be deleterious by in silico analysis. Since supporting evidence is limited at this time, the clinical significance of this alteration remains unclear.

Labcorp Genetics (formerly Invitae), Labcorp
Classification: Uncertain significance for Adult-onset proximal spinal muscular atrophy, autosomal dominant; Amyotrophic lateral sclerosis type 8. Last evaluated: 2022-04-21. Review status: criteria provided, single submitter. Criteria: Invitae Variant Classification Sherloc (09022015). Collection method: clinical testing. Allele origin: germline.
Comment: In summary, the available evidence is currently insufficient to determine the role of this variant in disease. Therefore, it has been classified as a Variant of Uncertain Significance. This variant disrupts the p.Pro56 amino acid residue in VAPB. Other variant(s) that disrupt this residue have been determined to be pathogenic (PMID: 15372378, 16187141, 16967488, 17804640, 21275991, 23771029). This suggests that this residue is clinically significant, and that variants that disrupt this residue are likely to be disease-causing. Algorithms developed to predict the effect of missense changes on protein structure and function are either unavailable or do not agree on the potential impact of this missense change (SIFT: "Not Available"; PolyPhen-2: "Probably Damaging"; Align-GVGD: "Not Available"). This variant has not been reported in the literature in individuals affected with VAPB-related conditions. This variant is not present in population databases (gnomAD no frequency). This sequence change replaces proline, which is neutral and non-polar, with arginine, which is basic and polar, at codon 56 of the VAPB protein (p.Pro56Arg).

Literature cited by the submitters: PubMed 15372378 (cited by Labcorp Genetics (formerly Invitae), Labcorp); PubMed 16187141 (cited by Labcorp Genetics (formerly Invitae), Labcorp); PubMed 16967488 (cited by Labcorp Genetics (formerly Invitae), Labcorp); PubMed 17804640 (cited by Labcorp Genetics (formerly Invitae), Labcorp); PubMed 21275991 (cited by Labcorp Genetics (formerly Invitae), Labcorp); PubMed 23771029 (cited by Labcorp Genetics (formerly Invitae), Labcorp).

NM_004738.5(VAPB):c.167C>G (p.Pro56Arg)

Gene: VAPB (VAMP associated protein B and C; plus strand). Cytogenetic location: 20q13.32.
Variant type: single nucleotide variant.
Coding change: c.167C>G on transcript NM_004738.5 (MANE Select); coding-DNA position 167, C replaced by G.
Protein change: p.Pro56Arg; replaces proline 56 with arginine.
Molecular consequence: missense variant. On other transcripts: non-coding transcript variant (1).
Genome position (GRCh38, 1-based): chr20:58,418,319, C>G. VCF-style: chr20-58418319-C-G. GRCh37 (hg19) VCF-style: chr20-56993375-C-G.
Other names: c.167C>G, p.Pro56Arg (NM_001195677.2); short protein forms P56R.
Identifiers: ClinVar variation 1777866 (VCV001777866.7), dbSNP rs2516033041, ClinGen allele CA409442650.